The following is an entry in ClinVar:

ClinVar aggregate classification (germline): Conflicting classifications of pathogenicity. Review status: criteria provided, conflicting classifications (1 of 4 stars). 2 submissions from 2 submitters: Uncertain significance (1); Likely benign (1). Last evaluated 2025-08-06.

Conditions:
Developmental and epileptic encephalopathy 94 (DEE94). Also called: Epileptic encephalopathy, childhood-onset; CHD2-Related Neurodevelopmental Disorders. Identifiers: Orphanet 1942, Orphanet 2382, MedGen C3809278, MONDO:0014150, OMIM 615369.

Allele frequency attached by ClinVar (database versions not stated): TOPMed below 0.00001; ESP Exome Variant Server 0.00015.
gnomAD v4.1: 128 of 1,596,576 alleles (0.008%); highest among the groups gnomAD compares: Non-Finnish European, 0.011%; no homozygotes.

Submissions (2):

GeneDx
Classification: Uncertain significance. Last evaluated: 2025-08-06. Review status: criteria provided, single submitter. Criteria: GeneDx Variant Classification Process June 2021. Collection method: clinical testing. Allele origin: germline. Affected: yes.
Comment: Has not been previously published as pathogenic or benign to our knowledge; In silico analysis is inconclusive as to whether the variant alters gene splicing. In the absence of RNA/functional studies, the actual effect of this sequence change is unknown.

Labcorp Genetics (formerly Invitae), Labcorp
Classification: Likely benign for Developmental and epileptic encephalopathy 94. Last evaluated: 2021-11-18. Review status: criteria provided, single submitter. Criteria: Invitae Variant Classification Sherloc (09022015). Collection method: clinical testing. Allele origin: germline.

NM_001271.4(CHD2):c.444-4A>C

Gene: CHD2 (chromodomain helicase DNA binding protein 2; plus strand). Cytogenetic location: 15q26.1.
Variant type: single nucleotide variant.
Coding change: c.444-4A>C on transcript NM_001271.4 (MANE Select); 4 bases into the intron before coding-DNA position 444, A replaced by C.
Molecular consequence: intron variant.
Genome position (GRCh38, 1-based): chr15:92,937,514, A>C. VCF-style: chr15-92937514-A-C. GRCh37 (hg19) VCF-style: chr15-93480744-A-C.
Other names: c.444-4A>C (NM_001042572.3).
Identifiers: ClinVar variation 1609259 (VCV001609259.8), dbSNP rs369479687, ClinGen allele CA7747533.